The following is an entry in ClinVar:

NM_198503.5(KCNT2):c.518C>T (p.Ala173Val)

Gene: KCNT2 (potassium sodium-activated channel subfamily T member 2; minus strand). Cytogenetic location: 1q31.3.
Variant type: single nucleotide variant.
Coding change: c.518C>T on transcript NM_198503.5 (MANE Select); coding-DNA position 518, C replaced by T.
Protein change: p.Ala173Val; replaces alanine 173 with valine.
Molecular consequence: missense variant. On other transcripts: non-coding transcript variant (2).
Genome position (GRCh38, 1-based): chr1:196,467,728, G>A on the plus strand (C>T on the coding strand, the complement: KCNT2 is on the minus strand). VCF-style: chr1-196467728-G-A. GRCh37 (hg19) VCF-style: chr1-196436858-G-A.
Other names: c.518C>T, p.Ala173Val (NM_001287819.3, NM_001287820.3); short protein forms A173V.
Identifiers: ClinVar variation 3373763 (VCV003373763.1).

ClinVar aggregate classification (germline): Uncertain significance (1 of 4 stars; one submission).

Submission:

GeneDx
Classification: Uncertain significance. Last evaluated: 2024-03-09. Review status: criteria provided, single submitter. Criteria: GeneDx Variant Classification Process June 2021. Collection method: clinical testing. Allele origin: germline. Affected: yes.
Comment: Not observed at significant frequency in large population cohorts (gnomAD); In silico analysis supports that this missense variant has a deleterious effect on protein structure/function; Has not been previously published as pathogenic or benign to our knowledge